The following is an entry in ClinVar:

NM_032861.4(SERAC1):c.1962C>G (p.Asn654Lys)

Gene: SERAC1 (serine active site containing 1; minus strand). Cytogenetic location: 6q25.3.
Variant type: single nucleotide variant.
Coding change: c.1962C>G on transcript NM_032861.4 (MANE Select); coding-DNA position 1962, C replaced by G.
Protein change: p.Asn654Lys; replaces asparagine 654 with lysine.
Molecular consequence: missense variant.
Genome position (GRCh38, 1-based): chr6:158,111,369, G>C on the plus strand (C>G on the coding strand, the complement: SERAC1 is on the minus strand). VCF-style: chr6-158111369-G-C. GRCh37 (hg19) VCF-style: chr6-158532401-G-C.
Other names: short protein forms N654K.
Identifiers: ClinVar variation 1375644 (VCV001375644.6), dbSNP rs1784140439, ClinGen allele CA366253709.
Genomic context (GRCh38, chr6:158,111,369, plus strand): 5'-CAGAACACCAAGTTTCTTGCACTGAATTCACATATGAAAACTGGAAGAGCACAACTGTTA[G>C]TTTTCAAGGTCTTTGGCTAAAGCTTCACGAATGAATTGTAAAGTACGCTGGTACAAAAAA-3'
Protein context (NP_116250.3, residues 644-654): IREALAKDLE[Asn654Lys]

ClinVar aggregate classification (germline): Uncertain significance (1 of 4 stars; one submission).

Conditions:
3-methylglutaconic aciduria with deafness, encephalopathy, and Leigh-like syndrome (MEGDEL). Also called: 3-METHYLGLUTACONIC ACIDURIA, TYPE VI; SERAC1 Deficiency; MEGDEL syndrome. Identifiers: Orphanet 352328, MedGen C4040739, MONDO:0013875, OMIM 614739.

Allele frequency attached by ClinVar (database versions not stated): TOPMed 0.00001.

Submission:

Labcorp Genetics (formerly Invitae), Labcorp
Classification: Uncertain significance for 3-methylglutaconic aciduria with deafness, encephalopathy, and Leigh-like syndrome. Last evaluated: 2021-08-17. Review status: criteria provided, single submitter. Criteria: Invitae Variant Classification Sherloc (09022015). Collection method: clinical testing. Allele origin: germline.
Comment: This sequence change replaces asparagine with lysine at codon 654 of the SERAC1 protein (p.Asn654Lys). The asparagine residue is moderately conserved and there is a moderate physicochemical difference between asparagine and lysine. This variant is not present in population databases (ExAC no frequency). This variant has not been reported in the literature in individuals affected with SERAC1-related conditions. Algorithms developed to predict the effect of missense changes on protein structure and function output the following: SIFT: "Tolerated"; PolyPhen-2: "Benign"; Align-GVGD: "Class C0". The lysine amino acid residue is found in multiple mammalian species, which suggests that this missense change does not adversely affect protein function. Algorithms developed to predict the effect of sequence changes on RNA splicing suggest that this variant may create or strengthen a splice site. In summary, the available evidence is currently insufficient to determine the role of this variant in disease. Therefore, it has been classified as a Variant of Uncertain Significance.